The following is an entry in ClinVar:

ClinVar aggregate classification (germline): Pathogenic. Review status: criteria provided, single submitter (1 of 4 stars). 2 submissions from 2 submitters: Pathogenic (1). 1 of the submissions does not count toward it. Last evaluated 2022-01-14.

Conditions:
Dyggve-Melchior-Clausen syndrome (DMC). Also called: Dyggve-Melchior-Clausen disease; DMC syndrome. Identifiers: Orphanet 239, MedGen C0265286, MONDO:0009130, OMIM 223800.

Submissions (2):

Labcorp Genetics (formerly Invitae), Labcorp
Classification: Pathogenic. Last evaluated: 2022-01-14. Review status: criteria provided, single submitter. Criteria: Invitae Variant Classification Sherloc (09022015). Collection method: clinical testing. Allele origin: germline.
Comment: For these reasons, this variant has been classified as Pathogenic. Algorithms developed to predict the effect of sequence changes on RNA splicing suggest that this variant may disrupt the consensus splice site. ClinVar contains an entry for this variant (Variation ID: 3190). Disruption of this splice site has been observed in individuals with Dyggve-Melchior-Clausen syndrome (PMID: 12554689). This variant is not present in population databases (gnomAD no frequency). This sequence change affects an acceptor splice site in intron 11 of the DYM gene. It is expected to disrupt RNA splicing. Variants that disrupt the donor or acceptor splice site typically lead to a loss of protein function (PMID: 16199547), and loss-of-function variants in DYM are known to be pathogenic (PMID: 12491225, 12554689, 18996921).

OMIM
Classification: Pathogenic for DYGGVE-MELCHIOR-CLAUSEN DISEASE. Last evaluated: 2003-02-01. Review status: no assertion criteria provided. Collection method: literature only. Allele origin: germline. Not counted in ClinVar's aggregate classification.

Literature cited by the submitters: PubMed 12554689 (cited by Labcorp Genetics (formerly Invitae), Labcorp and OMIM); PubMed 16199547 (cited by Labcorp Genetics (formerly Invitae), Labcorp); PubMed 12491225 (cited by Labcorp Genetics (formerly Invitae), Labcorp); PubMed 18996921 (cited by Labcorp Genetics (formerly Invitae), Labcorp).

NM_001353214.3(DYM):c.1252-1G>A

Gene: DYM (dymeclin; minus strand). Cytogenetic location: 18q21.1.
Variant type: single nucleotide variant.
Coding change: c.1252-1G>A on transcript NM_001353214.3 (MANE Select); the canonical splice acceptor site of the intron before coding-DNA position 1252, G replaced by A.
Molecular consequence: splice acceptor variant.
Genome position (GRCh38, 1-based): chr18:49,258,494, C>T on the plus strand (G>A on the coding strand, the complement: DYM is on the minus strand). VCF-style: chr18-49258494-C-T. GRCh37 (hg19) VCF-style: chr18-46784864-C-T.
Other names: IVS11, G-A, -1; c.1246-1G>A (NM_001374439.1, NM_001374429.1); c.1249-1G>A (NM_001353211.3, NM_001353212.3, NM_001374438.1 and 3 more transcripts); c.679-1G>A (NM_001374443.1); c.682-1G>A (NM_001374444.1, NM_001374442.1, NM_001374441.1); c.1024-1G>A (NM_001374440.1); c.1126-1G>A (NM_001374436.1, NM_001374432.1); c.1069-1G>A (NM_001374437.1); and 1 more.
Identifiers: ClinVar variation 3190 (VCV000003190.10), dbSNP rs1568119124, ClinGen allele CA402506981.
Genomic context (GRCh38, chr18:49,258,494, plus strand): 5'-ACTCCCCAAGGAGATTTCAGTTAAAACTCGTTCTGAATACCAAGTAATATTTTTTAGTAT[C>T]TGTAATGGGGAAGAAAAGTTTAAGTAAAAAATGATTGCTTTACAGACAAAAGAATTACTC-3'